The following is an entry in ClinVar:

NM_004655.4(AXIN2):c.606dup (p.Gly203fs)

Gene: AXIN2 (axin 2; minus strand). Cytogenetic location: 17q24.1.
Variant type: Duplication.
Coding change: c.606dup on transcript NM_004655.4 (MANE Select); coding-DNA position 606, one base duplicated (T; older notation c.606dupT).
Protein change: p.Gly203fs; shifts the reading frame from glycine 203.
Molecular consequence: frameshift variant.
Genome position (GRCh38, 1-based): chr17:65,558,015, A duplicated on the plus strand (T on the coding strand, the reverse complement: AXIN2 is on the minus strand). VCF-style (leftmost placement, unchanged base first): chr17-65558014-C-CA. GRCh37 (hg19) VCF-style: chr17-63554132-C-CA.
Other names: c.606dup, p.Gly203fs (NM_001363813.1); short protein forms G203fs.
Identifiers: ClinVar variation 2583664 (VCV002583664.2), dbSNP rs2544249018, ClinGen allele CA2582342299.

ClinVar aggregate classification (germline): Pathogenic (1 of 4 stars; one submission).

Conditions:
Oligodontia-cancer predisposition syndrome. Also called: TOOTH AGENESIS-COLORECTAL CANCER SYNDROME. Identifiers: Orphanet 300576, MedGen C1837750, MONDO:0012075, OMIM 608615. Disease mechanism: loss of function.

Submission:

Myriad Genetics, Inc.
Classification: Pathogenic for Oligodontia-cancer predisposition syndrome. Last evaluated: 2023-05-17. Review status: criteria provided, single submitter. Criteria: Myriad Autosomal Dominant, Autosomal Recessive and X-Linked Classification Criteria (2023). Collection method: clinical testing. Allele origin: unknown.
Comment: This variant is considered pathogenic. This variant creates a frameshift predicted to result in premature protein truncation.